The following is an entry in ClinVar:

ClinVar aggregate classification (germline): Uncertain significance. Review status: criteria provided, multiple submitters, no conflicts (2 of 4 stars). 3 submissions from 3 submitters: Uncertain significance (3). Last evaluated 2026-06-26.

Conditions:
Cardiovascular phenotype. Identifiers: MedGen CN230736.
ALPK3-related disorder. Also called: ALPK3-related condition.

Allele frequency attached by ClinVar (database versions not stated): gnomAD 0.00001; 1000 Genomes Project 30x 0.00031.

Submissions (3):

PreventionGenetics, part of Exact Sciences
Classification: Uncertain significance for ALPK3-related condition. Last evaluated: 2026-06-26. Review status: criteria provided, single submitter. Criteria: ACMG Guidelines, 2015. Collection method: clinical testing. Allele origin: germline.
Comment: The ALPK3 c.733G>A variant is predicted to result in the amino acid substitution p.Val245Met. To our knowledge, this variant has not been reported in the literature. This variant is reported in 0.0091% of alleles in individuals of Latino descent in gnomAD. At this time, the clinical significance of this variant is uncertain due to the absence of conclusive functional and genetic evidence.

Ambry Genetics
Classification: Uncertain significance for Cardiovascular phenotype. Last evaluated: 2024-12-06. Review status: criteria provided, single submitter. Criteria: Ambry Variant Classification Scheme 2023. Collection method: clinical testing. Allele origin: germline.

Labcorp Genetics (formerly Invitae), Labcorp
Classification: Uncertain significance. Last evaluated: 2022-08-24. Review status: criteria provided, single submitter. Criteria: Invitae Variant Classification Sherloc (09022015). Collection method: clinical testing. Allele origin: germline.
Comment: In summary, the available evidence is currently insufficient to determine the role of this variant in disease. Therefore, it has been classified as a Variant of Uncertain Significance. Algorithms developed to predict the effect of missense changes on protein structure and function are either unavailable or do not agree on the potential impact of this missense change (SIFT: "Deleterious"; PolyPhen-2: "Probably Damaging"; Align-GVGD: "Class C0"). This variant has not been reported in the literature in individuals affected with ALPK3-related conditions. The frequency data for this variant in the population databases is considered unreliable, as metrics indicate poor data quality at this position in the gnomAD database. This sequence change replaces valine, which is neutral and non-polar, with methionine, which is neutral and non-polar, at codon 245 of the ALPK3 protein (p.Val245Met).

NM_020778.5(ALPK3):c.127G>A (p.Val43Met)

Gene: ALPK3 (alpha kinase 3; plus strand). Cytogenetic location: 15q25.3.
Variant type: single nucleotide variant.
Coding change: c.127G>A on transcript NM_020778.5 (MANE Select); coding-DNA position 127, G replaced by A.
Protein change: p.Val43Met; replaces valine 43 with methionine.
Molecular consequence: missense variant.
Genome position (GRCh38, 1-based): chr15:84,817,579, G>A. VCF-style: chr15-84817579-G-A. GRCh37 (hg19) VCF-style: chr15-85360810-G-A.
Other names: c.733G>A (NM_020778.4); short protein forms V43M.
Identifiers: ClinVar variation 1978795 (VCV001978795.6), dbSNP rs191595793, ClinGen allele CA273651174.